The following is an entry in ClinVar:

ClinVar aggregate classification (germline): Conflicting classifications of pathogenicity. Review status: criteria provided, conflicting classifications (1 of 4 stars). 2 submissions from 2 submitters: Likely pathogenic (1); Uncertain significance (1). Last evaluated 2022-05-31.

Conditions:
Aicardi-Goutieres syndrome 2. Identifiers: Orphanet 51, MedGen C3489724, MONDO:0012429, OMIM 610181.

Allele frequency attached by ClinVar (database versions not stated): gnomAD exomes 0.00001; TOPMed 0.00002; gnomAD 0.00003.
gnomAD v4.1: 16 of 1,603,350 alleles (0.001%); highest among the groups gnomAD compares: African/African-American, 0.004%; no homozygotes.

Submissions (2):

Labcorp Genetics (formerly Invitae), Labcorp
Classification: Uncertain significance for Aicardi-Goutieres syndrome 2. Last evaluated: 2022-05-31. Review status: criteria provided, single submitter. Criteria: Invitae Variant Classification Sherloc (09022015). Collection method: clinical testing. Allele origin: germline.
Comment: This sequence change falls in intron 3 of the RNASEH2B gene. It does not directly change the encoded amino acid sequence of the RNASEH2B protein. This variant is not present in population databases (gnomAD no frequency). This variant has been observed in individual(s) with clinical features of RNASEH2B-related conditions (PMID: 26633542). ClinVar contains an entry for this variant (Variation ID: 372492). Algorithms developed to predict the effect of sequence changes on RNA splicing suggest that this variant may disrupt the consensus splice site. In summary, the available evidence is currently insufficient to determine the role of this variant in disease. Therefore, it has been classified as a Variant of Uncertain Significance.

GeneDx
Classification: Likely pathogenic. Last evaluated: 2019-05-21. Review status: criteria provided, single submitter. Criteria: GeneDx Variant Classification Process June 2021. Collection method: clinical testing. Allele origin: germline. Affected: yes.
Comment: Not observed in large population cohorts (Lek et al., 2016); In silico analysis, which includes splice predictors and evolutionary conservation, supports a deleterious effect; This variant is associated with the following publications: (PMID: 26633542)

Literature cited by the submitters: PubMed 26633542 (cited by Labcorp Genetics (formerly Invitae), Labcorp).

NM_024570.4(RNASEH2B):c.245-8A>G

Gene: RNASEH2B (ribonuclease H2 subunit B; plus strand). Cytogenetic location: 13q14.3.
Variant type: single nucleotide variant.
Coding change: c.245-8A>G on transcript NM_024570.4 (MANE Select); 8 bases into the intron before coding-DNA position 245, A replaced by G.
Molecular consequence: intron variant.
Genome position (GRCh38, 1-based): chr13:50,930,675, A>G. VCF-style: chr13-50930675-A-G. GRCh37 (hg19) VCF-style: chr13-51504811-A-G.
Other names: c.245-8A>G (NM_001142279.2).
Identifiers: ClinVar variation 372492 (VCV000372492.6), dbSNP rs1057517815, ClinGen allele CA16042922.